The following is an entry in ClinVar:

ClinVar aggregate classification (germline): Likely benign (1 of 4 stars; one submission).

Allele frequency attached by ClinVar (database versions not stated): gnomAD 0.00045 and 0.00052; TOPMed 0.00046; 1000 Genomes Project 0.00080.

Submission:

CeGaT Center for Human Genetics Tuebingen
Classification: Likely benign. Last evaluated: 2026-05-01. Review status: criteria provided, single submitter. Criteria: CeGaT Center For Human Genetics Tuebingen Variant Classification Criteria Version 2. Collection method: clinical testing. Allele origin: germline. Affected: yes. Observed: 5 variant alleles.
Comment: PCSK9: BS1

NM_174936.4(PCSK9):c.*1151del

Gene: PCSK9 (proprotein convertase subtilisin/kexin type 9; plus strand). Cytogenetic location: 1p32.3.
Variant type: Deletion.
Coding change: c.*1151del on transcript NM_174936.4 (MANE Select); 1151 bases downstream of the stop codon, one base deleted (A; older notation c.*1151delA).
Molecular consequence: 3 prime UTR variant.
Genome position (GRCh38, 1-based): chr1:55,064,735, A deleted. VCF-style (leftmost placement, unchanged base first): chr1-55064734-CA-C. GRCh37 (hg19) VCF-style: chr1-55530407-CA-C.
Other names: c.*1151delA (NM_001407240.1, NM_001407241.1, NM_001407242.1 and 5 more transcripts).
Identifiers: ClinVar variation 297744 (VCV000297744.37), dbSNP rs563024336, ClinGen allele CA10610528.
Genomic context (GRCh38, chr1:55,064,734, plus strand): 5'-AGCCCCACCCAAGCAAGCAGACATTTATCTTTTGGGTCTGTCCTCTCTGTTGCCTTTTTA[CA>C]GCCAACTTTTCTAGACCTGTTTTGCTTTTGTAACTTGAAGATATTTATTCTGGGTTTTGT-3'